The following is an entry in ClinVar:

ClinVar aggregate classification (germline): Likely pathogenic (1 of 4 stars; one submission).

Conditions:
Hereditary spastic paraplegia 11. Also called: SPASTIC PARAPLEGIA, AUTOSOMAL RECESSIVE, COMPLICATED, WITH THIN CORPUS CALLOSUM; SPASTIC PARAPLEGIA, AUTOSOMAL RECESSIVE, WITH MENTAL IMPAIRMENT AND THIN CORPUS CALLOSUM; Spastic paraplegia, mental retardation and thin corpus callosum; Nakamura Osame syndrome; Autosomal recessive hereditary spastic paraplegia, mental impairment, and thin corpus callosum; Spastic Paraplegia 11. Identifiers: Orphanet 2822, MedGen C1858479, MONDO:0011445, OMIM 604360.

gnomAD v4.1: 1 of 1,613,888 alleles (0.000062%); highest among the groups gnomAD compares: Non-Finnish European, 0.000085%; no homozygotes.

Submission:

Labcorp Genetics (formerly Invitae), Labcorp
Classification: Likely pathogenic for Hereditary spastic paraplegia 11. Last evaluated: 2022-07-05. Review status: criteria provided, single submitter. Criteria: Invitae Variant Classification Sherloc (09022015). Collection method: clinical testing. Allele origin: germline.
Comment: This sequence change affects an acceptor splice site in intron 1 of the SPG11 gene. It is expected to disrupt RNA splicing. Variants that disrupt the donor or acceptor splice site typically lead to a loss of protein function (PMID: 16199547), and loss-of-function variants in SPG11 are known to be pathogenic (PMID: 19105190, 20110243, 22154821, 26556829). This variant is not present in population databases (gnomAD no frequency). Disruption of this splice site has been observed in individual(s) with hereditary spastic paraplegia (PMID: 19917823). ClinVar contains an entry for this variant (Variation ID: 1502947). Algorithms developed to predict the effect of sequence changes on RNA splicing suggest that this variant may disrupt the consensus splice site. In summary, the currently available evidence indicates that the variant is pathogenic, but additional data are needed to prove that conclusively. Therefore, this variant has been classified as Likely Pathogenic.

Literature cited by the submitters: PubMed 16199547; PubMed 19105190; PubMed 20110243; PubMed 22154821; PubMed 26556829; PubMed 19917823.

NM_025137.4(SPG11):c.258-2A>G

Gene: SPG11 (SPG11 vesicle trafficking associated, spatacsin; minus strand). Cytogenetic location: 15q21.1.
Variant type: single nucleotide variant.
Coding change: c.258-2A>G on transcript NM_025137.4 (MANE Select); the canonical splice acceptor site of the intron before coding-DNA position 258, A replaced by G.
Molecular consequence: splice acceptor variant.
Genome position (GRCh38, 1-based): chr15:44,660,618, T>C on the plus strand (A>G on the coding strand, the complement: SPG11 is on the minus strand). VCF-style: chr15-44660618-T-C. GRCh37 (hg19) VCF-style: chr15-44952816-T-C.
Other names: c.258-2A>G (NM_001411132.1, NM_001160227.2).
Identifiers: ClinVar variation 1502947 (VCV001502947.6), dbSNP rs781665076, ClinGen allele CA392238468.